The following is an entry in ClinVar:

NM_001267550.2(TTN):c.8894C>A (p.Thr2965Lys)

Gene: TTN (titin; minus strand). Cytogenetic location: 2q31.2.
Variant type: single nucleotide variant.
Coding change: c.8894C>A on transcript NM_001267550.2 (MANE Select); coding-DNA position 8894, C replaced by A.
Protein change: p.Thr2965Lys; replaces threonine 2965 with lysine.
Molecular consequence: missense variant.
Genome position (GRCh38, 1-based): chr2:178,769,687, G>T on the plus strand (C>A on the coding strand, the complement: TTN is on the minus strand). VCF-style: chr2-178769687-G-T. GRCh37 (hg19) VCF-style: chr2-179634414-G-T.
Other names: c.8894C>A, p.Thr2965Lys (NM_001256850.1, NM_133378.4, NM_133379.5); c.8756C>A, p.Thr2919Lys (NM_003319.4, NM_133432.3, NM_133437.4); c.8894C>A (NM_001267550.1); short protein forms T2919K, T2965K.
Identifiers: ClinVar variation 931871 (VCV000931871.4), dbSNP rs1221486073, ClinGen allele CA349676370.
Genomic context (GRCh38, chr2:178,769,687, plus strand): 5'-ATTTGATATTTTATATATATGTGTATATATATATATATATTTTTTAACTTACGGGTGACT[G>T]TCAGGGTGGCACTGACTTGGTCATTGCCACAGACAAATGTGTATTCTGCCGAGTCCTCTG-3'
Protein context (NP_001254479.2, residues 2955-2975): CGNDQVSATL[Thr2965Lys]VTPIMITSML

ClinVar aggregate classification (germline): Uncertain significance. Review status: criteria provided, multiple submitters, no conflicts (2 of 4 stars). 2 submissions from 2 submitters: Uncertain significance (2). Last evaluated 2025-05-20.

Conditions:
Tibial muscular dystrophy (TMD). Also called: UDD MYOPATHY; Udd Distal Myopathy – Tibial Muscular Dystrophy; Tibial muscular dystrophy, tardive. Identifiers: Orphanet 609, MedGen C1838244, MONDO:0010870, OMIM 600334.

Allele frequency attached by ClinVar (database versions not stated): gnomAD exomes below 0.00001; TOPMed below 0.00001.
gnomAD v4.1: 6 of 1,612,022 alleles (0.00037%); highest among the groups gnomAD compares: Non-Finnish European, 0.00042%; no homozygotes.

Submissions (2):

GeneDx
Classification: Uncertain significance. Last evaluated: 2025-05-20. Review status: criteria provided, single submitter. Criteria: GeneDx Variant Classification Process June 2021. Collection method: clinical testing. Allele origin: germline. Affected: yes.
Comment: Not observed at significant frequency in large population cohorts (gnomAD); Missense variant in a gene in which most reported pathogenic variants are truncating/loss of function; Has not been previously published as pathogenic or benign to our knowledge

Centre for Mendelian Genomics, University Medical Centre Ljubljana
Classification: Uncertain significance for Tibial muscular dystrophy. Last evaluated: 2018-10-19. Review status: criteria provided, single submitter. Criteria: ACMG Guidelines, 2015. Collection method: clinical testing. Allele origin: unknown. Affected: yes.
Comment: This variant was classified as: Uncertain significance. The available evidence on this variant's pathogenicity is insufficient or conflicting. The following ACMG criteria were applied in classifying this variant: PM2,BP1.